The following is an entry in ClinVar:

NM_000531.5(OTC):c.-646G>A

Gene: OTC (ornithine transcarbamylase; plus strand). Cytogenetic location: Xp11.4.
Variant type: single nucleotide variant.
Coding change: c.-646G>A on transcript NM_000531.5; 646 bases upstream of the start codon, G replaced by A.
Molecular consequence: intron variant (on NM_001407092.1).
Genome position (GRCh38, 1-based): chrX:38,352,051, G>A. VCF-style: chrX-38352051-G-A. GRCh37 (hg19) VCF-style: chrX-38211304-G-A.
Other names: c.-79-567G>A (NM_001407092.1).
Identifiers: ClinVar variation 680702 (VCV000680702.3), dbSNP rs5963413, ClinGen allele CA15005738.
Genomic context (GRCh38, chrX:38,352,051, plus strand): 5'-GCTCAAGTGATCCGCCCGCCTCAGCCTCCCAAAGTGCTGGGATTACAGGCGTGAGCCACC[G>A]TGCCCGGCCAGCAATTATTTCTTTATTGAAGACTTATGTGCAAGGCACAAAGGGAGCTCC-3'

ClinVar aggregate classification (germline): Benign (1 of 4 stars; one submission).

Allele frequency attached by ClinVar (database versions not stated): gnomAD 0.69374; 1000 Genomes Project 0.70993; 1000 Genomes Project 30x 0.70531; TOPMed 0.69900.

Submission:

GeneDx
Classification: Benign. Last evaluated: 2018-06-14. Review status: criteria provided, single submitter. Criteria: GeneDx Variant Classification (06012015). Collection method: clinical testing. Allele origin: germline. Affected: yes.
Comment: This variant is considered likely benign or benign based on one or more of the following criteria: it is a conservative change, it occurs at a poorly conserved position in the protein, it is predicted to be benign by multiple in silico algorithms, and/or has population frequency not consistent with disease.